The following is an entry in ClinVar:

NM_018518.5(MCM10):c.108T>C (p.Asn36=)

Gene: MCM10 (minichromosome maintenance 10 replication initiation factor; plus strand). Cytogenetic location: 10p13.
Variant type: single nucleotide variant.
Coding change: c.108T>C on transcript NM_018518.5 (MANE Select); coding-DNA position 108, T replaced by C.
Protein change: p.Asn36=; no amino-acid change (asparagine 36 retained).
Molecular consequence: synonymous variant.
Genome position (GRCh38, 1-based): chr10:13,171,022, T>C. VCF-style: chr10-13171022-T-C. GRCh37 (hg19) VCF-style: chr10-13213022-T-C.
Other names: c.108T>C, p.Asn36= (NM_182751.3).
Identifiers: ClinVar variation 2640309 (VCV002640309.24), dbSNP rs137855341, ClinGen allele CA5411118.

ClinVar aggregate classification (germline): Likely benign (1 of 4 stars; one submission).

Allele frequency attached by ClinVar (database versions not stated): 1000 Genomes Project 30x 0.00031; 1000 Genomes Project 0.00040; ExAC 0.00147; gnomAD 0.00151; ESP Exome Variant Server 0.00185.
gnomAD v4.1: 2,662 of 1,614,158 alleles (0.16%); highest among the groups gnomAD compares: Non-Finnish European, 0.19%; 9 homozygotes.

Submission:

CeGaT Center for Human Genetics Tuebingen
Classification: Likely benign. Last evaluated: 2025-08-01. Review status: criteria provided, single submitter. Criteria: CeGaT Center For Human Genetics Tuebingen Variant Classification Criteria Version 2. Collection method: clinical testing. Allele origin: germline. Affected: yes. Observed: 5 variant alleles.
Comment: MCM10: BP4, BP7